The following is an entry in ClinVar:

NM_004145.4(MYO9B):c.5247G>A (p.Ala1749=)

Gene: MYO9B (myosin IXB; plus strand). Cytogenetic location: 19p13.11.
Variant type: single nucleotide variant.
Coding change: c.5247G>A on transcript NM_004145.4 (MANE Select); coding-DNA position 5247, G replaced by A.
Protein change: p.Ala1749=; no amino-acid change (alanine 1749 retained).
Molecular consequence: synonymous variant.
Genome position (GRCh38, 1-based): chr19:17,206,142, G>A. VCF-style: chr19-17206142-G-A. GRCh37 (hg19) VCF-style: chr19-17316951-G-A.
Other names: c.5247G>A, p.Ala1749= (NM_001130065.2).
Identifiers: ClinVar variation 3050451 (VCV003050451.2), dbSNP rs368556998, ClinGen allele CA9288480.

ClinVar aggregate classification (germline): Likely benign (0 of 4 stars; one submission).

Conditions:
MYO9B-related disorder. Also called: MYO9B-related condition.

Allele frequency attached by ClinVar (database versions not stated): gnomAD 0.00004; ExAC 0.00007; TOPMed 0.00008; ESP Exome Variant Server 0.00016.
gnomAD v4.1: 118 of 1,606,672 alleles (0.0073%); highest among the groups gnomAD compares: Middle Eastern, 0.017%; no homozygotes.

Submission:

PreventionGenetics, part of Exact Sciences
Classification: Likely benign for MYO9B-related condition. Last evaluated: 2019-07-17. Review status: no assertion criteria provided. Collection method: clinical testing. Allele origin: germline.
Comment: This variant is classified as likely benign based on ACMG/AMP sequence variant interpretation guidelines (Richards et al. 2015 PMID: 25741868, with internal and published modifications).